The following is an entry in ClinVar:

NM_144631.6(ZNF513):c.710C>A (p.Pro237Gln)

Gene: ZNF513 (zinc finger protein 513; minus strand). Cytogenetic location: 2p23.3.
Variant type: single nucleotide variant.
Coding change: c.710C>A on transcript NM_144631.6 (MANE Select); coding-DNA position 710, C replaced by A.
Protein change: p.Pro237Gln; replaces proline 237 with glutamine.
Molecular consequence: missense variant.
Genome position (GRCh38, 1-based): chr2:27,378,556, G>T on the plus strand (C>A on the coding strand, the complement: ZNF513 is on the minus strand). VCF-style: chr2-27378556-G-T. GRCh37 (hg19) VCF-style: chr2-27601423-G-T.
Other names: c.524C>A, p.Pro175Gln (NM_001201459.2); short protein forms P175Q, P237Q.
Identifiers: ClinVar variation 2777275 (VCV002777275.3), dbSNP rs149593174, ClinGen allele CA346217668.

ClinVar aggregate classification (germline): Uncertain significance (1 of 4 stars; one submission).

Submission:

Labcorp Genetics (formerly Invitae), Labcorp
Classification: Uncertain significance. Last evaluated: 2023-11-20. Review status: criteria provided, single submitter. Criteria: Invitae Variant Classification Sherloc (09022015). Collection method: clinical testing. Allele origin: germline.
Comment: This sequence change replaces proline, which is neutral and non-polar, with glutamine, which is neutral and polar, at codon 237 of the ZNF513 protein (p.Pro237Gln). This variant is present in population databases (no rsID available, gnomAD 0.006%). This variant has not been reported in the literature in individuals affected with ZNF513-related conditions. An algorithm developed to predict the effect of missense changes on protein structure and function (PolyPhen-2) suggests that this variant is likely to be disruptive. In summary, the available evidence is currently insufficient to determine the role of this variant in disease. Therefore, it has been classified as a Variant of Uncertain Significance.